The following is an entry in ClinVar:

ClinVar aggregate classification (germline): Uncertain significance (1 of 4 stars; one submission).

Conditions:
Hereditary cancer-predisposing syndrome. Also called: Neoplastic Syndromes, Hereditary; Hereditary neoplastic syndrome; Tumor predisposition; Hereditary Cancer Syndrome. Identifiers: Orphanet 140162, MedGen C0027672, MeSH D009386, MONDO:0015356.

Submission:

Ambry Genetics
Classification: Uncertain significance for Hereditary cancer-predisposing syndrome. Last evaluated: 2025-12-11. Review status: criteria provided, single submitter. Criteria: Ambry Variant Classification Scheme 2023. Collection method: clinical testing. Allele origin: germline.
Comment: The c.497-3A>C intronic variant results from an A to C substitution 3 nucleotides upstream from coding exon 5 in the ATM gene. This nucleotide position is not well conserved in available vertebrate species. In silico splice site analysis predicts that this alteration will not have any significant effect on splicing. Based on the available evidence, the clinical significance of this variant remains unclear.

NM_000051.4(ATM):c.497-3A>C

Gene: ATM (ATM serine/threonine kinase; plus strand). Cytogenetic location: 11q22.3.
Variant type: single nucleotide variant.
Coding change: c.497-3A>C on transcript NM_000051.4 (MANE Select); 3 bases into the intron before coding-DNA position 497, A replaced by C.
Molecular consequence: intron variant.
Genome position (GRCh38, 1-based): chr11:108,243,950, A>C. VCF-style: chr11-108243950-A-C. GRCh37 (hg19) VCF-style: chr11-108114677-A-C.
Other names: c.497-3A>C (NM_001351834.2).
Identifiers: ClinVar variation 2453966 (VCV002453966.3), dbSNP rs1046559213, ClinGen allele CA2580083105.